The following is an entry in ClinVar:

ClinVar aggregate classification (germline): Uncertain significance. Review status: criteria provided, multiple submitters, no conflicts (2 of 4 stars). 5 submissions from 5 submitters: Uncertain significance (5). Last evaluated 2023-11-02.

Conditions:
Autosomal recessive limb-girdle muscular dystrophy type 2U. Also called: Muscular dystrophy-dystroglycanopathy (limb-girdle), type c, 7; MUSCULAR DYSTROPHY, LIMB-GIRDLE, TYPE 2U. Identifiers: Orphanet 352479, MedGen C5190987, MONDO:0014474, OMIM 616052.
Muscular dystrophy-dystroglycanopathy (congenital with brain and eye anomalies), type A, 7. Also called: WALKER-WARBURG SYNDROME OR MUSCLE-EYE-BRAIN DISEASE, ISPD-RELATED; Congenital muscular dystrophy-dystroglycanopathy with brain and eye anomalies, type A7. Identifiers: Orphanet 899, MedGen C3553330, MONDO:0013835, OMIM 614643.
Congenital Muscular Dystrophy, alpha-dystroglycan related.

Allele frequency attached by ClinVar (database versions not stated): gnomAD 0.00004 and 0.00005; ExAC 0.00005; TOPMed 0.00006; gnomAD exomes 0.00007.
gnomAD v4.1: 52 of 1,613,766 alleles (0.0032%); highest among the groups gnomAD compares: East Asian, 0.038%; no homozygotes.

Submissions (5):

Ambry Genetics
Classification: Uncertain significance. Last evaluated: 2023-11-02. Review status: criteria provided, single submitter. Criteria: Ambry Variant Classification Scheme 2023. Collection method: clinical testing. Allele origin: germline.

Labcorp Genetics (formerly Invitae), Labcorp
Classification: Uncertain significance for Muscular dystrophy-dystroglycanopathy (congenital with brain and eye anomalies), type A, 7; Autosomal recessive limb-girdle muscular dystrophy type 2U. Last evaluated: 2022-09-13. Review status: criteria provided, single submitter. Criteria: Invitae Variant Classification Sherloc (09022015). Collection method: clinical testing. Allele origin: germline.
Comment: This sequence change replaces arginine, which is basic and polar, with histidine, which is basic and polar, at codon 116 of the ISPD protein (p.Arg116His). This variant is present in population databases (rs748777770, gnomAD 0.06%). This variant has not been reported in the literature in individuals affected with ISPD-related conditions. ClinVar contains an entry for this variant (Variation ID: 598569). Advanced modeling of protein sequence and biophysical properties (such as structural, functional, and spatial information, amino acid conservation, physicochemical variation, residue mobility, and thermodynamic stability) performed at Invitae indicates that this missense variant is expected to disrupt ISPD protein function. In summary, the available evidence is currently insufficient to determine the role of this variant in disease. Therefore, it has been classified as a Variant of Uncertain Significance.

GeneDx
Classification: Uncertain significance. Last evaluated: 2021-06-02. Review status: criteria provided, single submitter. Criteria: GeneDx Variant Classification Process June 2021. Collection method: clinical testing. Allele origin: germline. Affected: yes.
Comment: This variant is associated with the following publications: (PMID: 32864857)

Eurofins Ntd Llc (ga)
Classification: Uncertain significance. Last evaluated: 2018-08-30. Review status: criteria provided, single submitter. Criteria: EGL ClinVar v180209 classification definitions. Collection method: clinical testing. Allele origin: germline. Observed: 1 variant allele, 1 heterozygote.

Illumina Laboratory Services, Illumina
Classification: Uncertain significance for Congenital Muscular Dystrophy, alpha-dystroglycan related. Last evaluated: 2018-01-12. Review status: criteria provided, single submitter. Criteria: ICSL Variant Classification Criteria 13 December 2019. Collection method: clinical testing. Allele origin: germline.

NM_001101426.4(CRPPA):c.347G>A (p.Arg116His)

Gene: CRPPA (CDP-L-ribitol pyrophosphorylase A; minus strand). Cytogenetic location: 7p21.2.
Variant type: single nucleotide variant.
Coding change: c.347G>A on transcript NM_001101426.4 (MANE Select); coding-DNA position 347, G replaced by A.
Protein change: p.Arg116His; replaces arginine 116 with histidine.
Molecular consequence: missense variant. On other transcripts: non-coding transcript variant (1).
Genome position (GRCh38, 1-based): chr7:16,406,248, C>T on the plus strand (G>A on the coding strand, the complement: CRPPA is on the minus strand). VCF-style: chr7-16406248-C-T. GRCh37 (hg19) VCF-style: chr7-16445873-C-T.
Other names: c.347G>A, p.Arg116His (NM_001101417.4, NM_001368197.1); short protein forms R116H.
Identifiers: ClinVar variation 598569 (VCV000598569.16), dbSNP rs748777770, ClinGen allele CA4169628.